The following is an entry in ClinVar:

ClinVar aggregate classification (germline): Conflicting classifications of pathogenicity. Review status: criteria provided, conflicting classifications (1 of 4 stars). 2 submissions from 2 submitters: Uncertain significance (1); Likely benign (1). Last evaluated 2023-12-09.

Conditions:
Charcot-Marie-Tooth disease axonal type 2C (HMSN2C). Also called: CHARCOT-MARIE-TOOTH DISEASE, AXONAL, AUTOSOMAL DOMINANT, TYPE 2C; Charcot-Marie-Tooth Neuropathy Type 2C; Charcot-Marie-Tooth Disease Type 2, TRPV4-Related (CMT2C). Identifiers: Orphanet 99937, MedGen C1853710, MONDO:0011633, OMIM 606071.

Allele frequency attached by ClinVar (database versions not stated): TOPMed below 0.00001; ExAC 0.00001; gnomAD 0.00001; gnomAD exomes 0.00001 and 0.00003.

Submissions (2):

Labcorp Genetics (formerly Invitae), Labcorp
Classification: Likely benign for Charcot-Marie-Tooth disease axonal type 2C. Last evaluated: 2023-12-09. Review status: criteria provided, single submitter. Criteria: Invitae Variant Classification Sherloc (09022015). Collection method: clinical testing. Allele origin: germline.

GeneDx
Classification: Uncertain significance. Last evaluated: 2023-05-10. Review status: criteria provided, single submitter. Criteria: GeneDx Variant Classification Process June 2021. Collection method: clinical testing. Allele origin: germline. Affected: yes.
Comment: In silico analysis supports that this variant does not alter splicing; Has not been previously published as pathogenic or benign to our knowledge

NM_021625.5(TRPV4):c.393G>A (p.Gln131=)

Gene: TRPV4 (transient receptor potential cation channel subfamily V member 4; minus strand). Cytogenetic location: 12q24.11.
Variant type: single nucleotide variant.
Coding change: c.393G>A on transcript NM_021625.5 (MANE Select); coding-DNA position 393, G replaced by A.
Protein change: p.Gln131=; no amino-acid change (glutamine 131 retained).
Molecular consequence: synonymous variant.
Genome position (GRCh38, 1-based): chr12:109,808,462, C>T on the plus strand (G>A on the coding strand, the complement: TRPV4 is on the minus strand). VCF-style: chr12-109808462-C-T. GRCh37 (hg19) VCF-style: chr12-110246267-C-T.
Other names: c.393G>A, p.Gln131= (NM_001177428.2, NM_001177433.2, NM_147204.3); c.291G>A, p.Gln97= (NM_001177431.2).
Identifiers: ClinVar variation 743459 (VCV000743459.8), dbSNP rs754924433, ClinGen allele CA6780552.